The following is an entry in ClinVar:

ClinVar aggregate classification (germline): Uncertain significance. Review status: criteria provided, multiple submitters, no conflicts (2 of 4 stars). 4 submissions from 4 submitters: Uncertain significance (3). 1 of the submissions does not count toward it. Last evaluated 2026-02-01.

Conditions:
X-linked distal spinal muscular atrophy type 3. Also called: ATP7A-Related Distal Motor Neuropathy; SPINAL MUSCULAR ATROPHY, DISTAL, X-LINKED RECESSIVE; NEURONOPATHY, DISTAL HEREDITARY MOTOR, X-LINKED; NEUROPATHY, DISTAL HEREDITARY MOTOR, X-LINKED. Identifiers: Orphanet 139557, MedGen C1845359, MONDO:0010338, OMIM 300489.
Menkes kinky-hair syndrome (MNK). Also called: Copper transport disease; Classic Menkes Disease; Menkes Disease. Identifiers: Orphanet 565, MedGen C0022716, MONDO:0010651, OMIM 309400.
Cutis laxa, X-linked (OHS). Also called: EDS IX; Occipital horn syndrome. Identifiers: Orphanet 198, MedGen C0268353, MONDO:0010572, OMIM 304150.

Allele frequency attached by ClinVar (database versions not stated): TOPMed below 0.00001; gnomAD exomes 0.00001; ESP Exome Variant Server 0.00009.
gnomAD v4.1: 9 of 1,210,410 alleles (0.00074%); highest among the groups gnomAD compares: Non-Finnish European, 0.001%; no homozygotes.

Submissions (4):

Labcorp Genetics (formerly Invitae), Labcorp
Classification: Uncertain significance for X-linked distal spinal muscular atrophy type 3; Cutis laxa, X-linked; Menkes kinky-hair syndrome. Last evaluated: 2026-02-01. Review status: criteria provided, single submitter. Criteria: Invitae Variant Classification Sherloc (09022015). Collection method: clinical testing. Allele origin: germline.
Comment: This sequence change replaces serine, which is neutral and polar, with cysteine, which is neutral and slightly polar, at codon 1263 of the ATP7A protein (p.Ser1263Cys). This variant is not present in population databases (gnomAD no frequency). This variant has not been reported in the literature in individuals affected with ATP7A-related conditions. ClinVar contains an entry for this variant (Variation ID: 243113). Invitae Evidence Modeling of protein sequence and biophysical properties (such as structural, functional, and spatial information, amino acid conservation, physicochemical variation, residue mobility, and thermodynamic stability) indicates that this missense variant is not expected to disrupt ATP7A protein function with a negative predictive value of 95%. In summary, the available evidence is currently insufficient to determine the role of this variant in disease. Therefore, it has been classified as a Variant of Uncertain Significance.

Mayo Clinic Laboratories, Mayo Clinic
Classification: Uncertain significance. Last evaluated: 2024-07-31. Review status: criteria provided, single submitter. Criteria: ACMG Guidelines, 2015. Collection method: clinical testing. Allele origin: germline. Observed: 1 variant allele.
Comment: PM2

GeneDx
Classification: Uncertain significance. Last evaluated: 2017-09-28. Review status: criteria provided, single submitter. Criteria: GeneDx Variant Classification (06012015). Collection method: clinical testing. Allele origin: germline. Affected: yes.
Comment: The S1263C variant in the ATP7A gene has not been reported previously as a pathogenic variant, nor as a benign variant, to our knowledge. The S1263C variant was not observed at any significant frequency in approximately 6500 individuals of European and African American ancestry in the NHLBI Exome Sequencing Project, indicating it is not a common benign variant in these populations. The S1263C variant is a non-conservative amino acid substitution, which is likely to impact secondary protein structure as these residues differ in polarity, charge, size and/or other properties. This substitution occurs at a position that is conserved in mammals. In silico analysis is inconsistent in its predictions as to whether or not the variant is damaging to the protein structure/function. We interpret S1263C as a variant of uncertain significance.

Natera, Inc.
Classification: Uncertain significance for Menkes kinky hair syndrome. Last evaluated: 2021-03-19. Review status: no assertion criteria provided. Collection method: clinical testing. Allele origin: germline. Not counted in ClinVar's aggregate classification.

NM_000052.7(ATP7A):c.3788C>G (p.Ser1263Cys)

Gene: ATP7A (ATPase copper transporting alpha; plus strand). Cytogenetic location: Xq21.1.
Variant type: single nucleotide variant.
Coding change: c.3788C>G on transcript NM_000052.7 (MANE Select); coding-DNA position 3788, C replaced by G.
Protein change: p.Ser1263Cys; replaces serine 1263 with cysteine.
Molecular consequence: missense variant. On other transcripts: non-coding transcript variant (1).
Genome position (GRCh38, 1-based): chrX:78,040,720, C>G. VCF-style: chrX-78040720-C-G. GRCh37 (hg19) VCF-style: chrX-77296218-C-G.
Other names: p.Ser1263Cys; c.3554C>G, p.Ser1185Cys (NM_001282224.2); short protein forms S1263C, S1185C.
Identifiers: ClinVar variation 243113 (VCV000243113.10), dbSNP rs372066609, ClinGen allele CA10584649.